The following is an entry in ClinVar:

ClinVar aggregate classification (germline): Uncertain significance. Review status: criteria provided, multiple submitters, no conflicts (2 of 4 stars). 2 submissions from 2 submitters: Uncertain significance (2). Last evaluated 2025-04-03.

Conditions:
Cardiovascular phenotype. Identifiers: MedGen CN230736.

gnomAD v4.1: 13 of 1,614,088 alleles (0.00081%); highest among the groups gnomAD compares: African/African-American, 0.012%; no homozygotes.

Submissions (2):

Women's Health and Genetics/Laboratory Corporation of America, LabCorp
Classification: Uncertain significance. Last evaluated: 2025-04-03. Review status: criteria provided, single submitter. Criteria: LabCorp Variant Classification Summary - May 2015. Collection method: clinical testing. Allele origin: germline.
Comment: Variant summary: TTN c.1324G>T (p.Val442Leu) results in a conservative amino acid change in the encoded protein sequence. Four of five in-silico tools predict a benign effect of the variant on protein function. The variant allele was found at a frequency of 1.6e-05 in 251352 control chromosomes. The available data on variant occurrences in the general population are insufficient to allow any conclusion about variant significance. To our knowledge, no occurrence of c.1324G>T in individuals affected with TTN-related conditions and no experimental evidence demonstrating its impact on protein function have been reported. ClinVar contains an entry for this variant (Variation ID: 1769977). Based on the evidence outlined above, the variant was classified as uncertain significance.

Ambry Genetics
Classification: Uncertain significance for Cardiovascular phenotype. Last evaluated: 2020-03-05. Review status: criteria provided, single submitter. Criteria: Ambry Variant Classification Scheme 2023. Collection method: clinical testing. Allele origin: germline.
Comment: The p.V442L variant (also known as c.1324G>T), located in coding exon 7 of the TTN gene, results from a G to T substitution at nucleotide position 1324. The valine at codon 442 is replaced by leucine, an amino acid with highly similar properties. This amino acid position is not well conserved in available vertebrate species, and leucine is the reference amino acid in other vertebrate species. In addition, this alteration is predicted to be tolerated by in silico analysis. Since supporting evidence is limited at this time, the clinical significance of this alteration remains unclear.

NM_001267550.2(TTN):c.1324G>T (p.Val442Leu)

Gene: TTN (titin; minus strand). Cytogenetic location: 2q31.2.
Variant type: single nucleotide variant.
Coding change: c.1324G>T on transcript NM_001267550.2 (MANE Select); coding-DNA position 1324, G replaced by T.
Protein change: p.Val442Leu; replaces valine 442 with leucine.
Molecular consequence: missense variant.
Genome position (GRCh38, 1-based): chr2:178,794,473, C>A on the plus strand (G>T on the coding strand, the complement: TTN is on the minus strand). VCF-style: chr2-178794473-C-A. GRCh37 (hg19) VCF-style: chr2-179659200-C-A.
Other names: c.1324G>T, p.Val442Leu (NM_001256850.1, NM_003319.4, NM_133378.4 and 3 more transcripts); short protein forms V442L.
Identifiers: ClinVar variation 1769977 (VCV001769977.4), dbSNP rs545579063, ClinGen allele CA60986317.
Genomic context (GRCh38, chr2:178,794,473, plus strand): 5'-GTTGGATGTGCACAGCAGTCGTGGTTGTCCTCTGAGCAGTCTGCTCTACAGCGCTGATCA[C>A]TGGTTCTCTCACTCTGGCCATATCAACGGCAGCAACAACAGTCGCAACAGCTGCACTTTT-3'
Protein context (NP_001254479.2, residues 432-452): AVDMARVREP[Val442Leu]ISAVEQTAQR